The following is an entry in ClinVar:

NM_001267550.2(TTN):c.26762-39TTTGT[7]

Gene: TTN (titin; minus strand). Cytogenetic location: 2q31.2.
Variant type: Microsatellite.
Coding change: c.26762-39TTTGT[7] on transcript NM_001267550.2 (MANE Select); seven copies in a row of the 5-base unit TTTGT starting at c.26762-39; the reference has six copies in a row; one copy, 5 bases duplicated.
Molecular consequence: intron variant.
Genome position (GRCh38, 1-based): chr2:178,713,382-178,713,386, ACAAA duplicated on the plus strand (TTTGT on the coding strand, the reverse complement: TTN is on the minus strand); duplicating any 5 consecutive bases within chr2:178,713,382-178,713,412 gives the same sequence; the position shown is the placement nearest the transcript's 3' end. VCF-style (leftmost placement, unchanged base first): chr2-178713381-T-TACAAA. GRCh37 (hg19) VCF-style: chr2-179578108-T-TACAAA.
Other names: p.?; c.25811-14_25811-10dup (NM_001256850.1); c.13282+24671TTTGT[7] (NM_003319.4); c.13858+24671TTTGT[7] (NM_133437.4); c.13657+24671TTTGT[7] (NM_133432.3); c.23030-39TTTGT[7] (NM_133378.4); c.25811-39TTTGT[7] (NM_001256850.1); c.25811-14_25811-10dupTTTGT (NM_001256850.1); and 3 more.
Identifiers: ClinVar variation 46789 (VCV000046789.28), dbSNP rs71393436, ClinGen allele CA325799.

ClinVar aggregate classification (germline): Benign/Likely benign. Review status: criteria provided, multiple submitters, no conflicts (2 of 4 stars). 9 submissions from 9 submitters: Benign (7); Likely benign (1). 1 of the submissions does not count toward it. Last evaluated 2026-02-04.

Conditions:
Dilated cardiomyopathy 1G (CMD1G). Identifiers: Orphanet 154, MedGen C1858763, MONDO:0011400, OMIM 604145.
Autosomal recessive limb-girdle muscular dystrophy type 2J (LGMDR10). Also called: Limb-girdle muscular dystrophy, type 2J; MUSCULAR DYSTROPHY, LIMB-GIRDLE, AUTOSOMAL RECESSIVE 10. Identifiers: Orphanet 140922, MedGen C1837342, MONDO:0012127, OMIM 608807.
Cardiomyopathy (CMYO). Also called: Cardiomyopathies. Identifiers: Orphanet 167848, MedGen C0878544, MONDO:0004994, HP:0001638. Inheritance: Various modes of inheritance.

Submissions (9):

Labcorp Genetics (formerly Invitae), Labcorp
Classification: Benign for Dilated cardiomyopathy 1G; Autosomal recessive limb-girdle muscular dystrophy type 2J. Last evaluated: 2026-02-04. Review status: criteria provided, single submitter. Criteria: Invitae Variant Classification Sherloc (09022015). Collection method: clinical testing. Allele origin: germline.

Molecular Diagnostic Laboratory for Inherited Cardiovascular Disease, Montreal Heart Institute
Classification: Benign. Last evaluated: 2025-04-09. Review status: criteria provided, single submitter. Criteria: ACMG Guidelines, 2015. Collection method: clinical testing. Allele origin: germline. Affected: no.

Women's Health and Genetics/Laboratory Corporation of America, LabCorp
Classification: Benign. Last evaluated: 2019-08-19. Review status: criteria provided, single submitter. Criteria: LabCorp Variant Classification Summary - May 2015. Collection method: clinical testing. Allele origin: germline.
Comment: Variant summary: TTN c.23030-14_23030-10dupTTTGT alters a non-conserved nucleotide located close to a canonical splice site and therefore could affect mRNA splicing, leading to a significantly altered protein sequence. 5/5 computational tools predict no significant impact on normal splicing. However, these predictions have yet to be confirmed by functional studies. The variant allele was found at a frequency of 0.2 in 131482 control chromosomes in the gnomAD database, including 3533 homozygotes. The observed variant frequency is approximately 315 fold of the estimated maximal expected allele frequency for a pathogenic variant in TTN causing Cardiomyopathy phenotype (0.00063), strongly suggesting that the variant is benign. Five clinical diagnostic laboratories have submitted clinical-significance assessments for this variant to ClinVar after 2014 without evidence for independent evaluation. All laboratories classified the variant as benign/likely benign. Based on the evidence outlined above, the variant was classified as benign.

Mayo Clinic Laboratories, Mayo Clinic
Classification: Benign. Last evaluated: 2017-12-04. Review status: criteria provided, single submitter. Criteria: ACMG Guidelines, 2015. Collection method: clinical testing. Allele origin: germline. Observed: 887 variant alleles.

Laboratory for Molecular Medicine, Mass General Brigham Personalized Medicine
Classification: Benign. Last evaluated: 2017-08-10. Review status: criteria provided, single submitter. Criteria: LMM Criteria. Collection method: clinical testing. Allele origin: germline. Observed: 259 variant alleles.
Comment: c.23030-39TTTGT[7] in intron 89 of TTN: This variant is part of a 5-bp repeat ( TTTGT) and adds one repeat unit to the 6 present in the reference sequence. Alt hough this variant is located in the splice region, computational tools do not p redict an effect. This variant is not expected to have clinical significance bec ause similar variants within this repeat region have been identified in 0.4% ( 6 5/15162) of African chromosomes by the Genome Aggregation Database (gnomAD; dbSNP rs79799565). Additionally, this variant has been identified in 231 individuals by our laboratory, at least 37 of which were found to have an alternate cause for disease.

CHEO Genetics Diagnostic Laboratory, Children's Hospital of Eastern Ontario
Classification: Benign for Cardiomyopathy. Last evaluated: 2016-10-07. Review status: criteria provided, single submitter. Criteria: ACMG Guidelines, 2015. Collection method: clinical testing. Allele origin: germline. Study: Canadian Open Genetics Repository.

Genetic Services Laboratory, University of Chicago
Classification: Likely benign. Last evaluated: 2015-03-23. Review status: criteria provided, single submitter. Criteria: ACMG Guidelines, 2015. Collection method: clinical testing. Allele origin: germline.

GeneDx
Classification: Benign. Last evaluated: 2014-08-21. Review status: criteria provided, single submitter. Criteria: GeneDx Variant Classification (06012015). Collection method: clinical testing. Allele origin: germline. Affected: yes.
Comment: The variant is found in CARDIOMYOPATHY panel(s).

Eurofins Ntd Llc (ga)
Classification: Benign for AllHighlyPenetrant. Last evaluated: 2014-01-13. Review status: no assertion criteria provided. Collection method: clinical testing. Allele origin: germline. Observed: 3 variant alleles, 2 heterozygotes, 1 homozygote. Not counted in ClinVar's aggregate classification.